The following is an entry in ClinVar:

NM_018245.3(OGDHL):c.1685del (p.Asp562fs)

Gene: OGDHL (oxoglutarate dehydrogenase L; minus strand). Cytogenetic location: 10q11.23.
Variant type: Deletion.
Coding change: c.1685del on transcript NM_018245.3 (MANE Select); coding-DNA position 1685, one base deleted (A; older notation c.1685delA).
Protein change: p.Asp562fs; shifts the reading frame from aspartic acid 562.
Molecular consequence: frameshift variant. On other transcripts: non-coding transcript variant (5).
Genome position (GRCh38, 1-based): chr10:49,744,697, T deleted on the plus strand (A on the coding strand, the reverse complement: OGDHL is on the minus strand). VCF-style (leftmost placement, unchanged base first): chr10-49744696-AT-A. GRCh37 (hg19) VCF-style: chr10-50952742-AT-A.
Other names: c.1058del, p.Asp353fs (NM_001347821.2, NM_001347822.1, NM_001143997.2); c.1505del, p.Asp502fs (NM_001347823.1, NM_001347824.2); c.878del, p.Asp293fs (NM_001347825.2); c.488del, p.Asp163fs (NM_001347826.1); c.1514del, p.Asp505fs (NM_001143996.2, NM_001347820.1); c.1685del, p.Asp562fs (NM_001347819.1); short protein forms D163fs, D293fs, D353fs, D502fs, D505fs, D562fs.
Identifiers: ClinVar variation 4072296 (VCV004072296.1).

ClinVar aggregate classification (germline): Likely pathogenic (1 of 4 stars; one submission).

Conditions:
Yoon-Bellen neurodevelopmental syndrome (YOBELN). Identifiers: MedGen C5562066, MONDO:0859221, OMIM 619701.

Submission:

3billion
Classification: Likely pathogenic for Yoon-Bellen neurodevelopmental syndrome. Last evaluated: 2024-07-31. Review status: criteria provided, single submitter. Criteria: ACMG Guidelines, 2015. Collection method: clinical testing. Allele origin: germline. Affected: yes.
Comment: The variant is not observed in the gnomAD v4.0.0 dataset. Predicted Consequence/Location: Frameshift: predicted to result in a loss or disruption of normal protein function through nonsense-mediated decay (NMD) or protein truncation. Multiple pathogenic variants are reported downstream of the variant. Therefore, this variant is classified as Likely pathogenic according to the recommendation of ACMG/AMP guideline.